The following is an entry in ClinVar:

ClinVar aggregate classification (germline): Uncertain significance. Review status: criteria provided, multiple submitters, no conflicts (2 of 4 stars). 2 submissions from 2 submitters: Uncertain significance (2). Last evaluated 2025-09-01.

Conditions:
Retinoblastoma (RB1). Also called: RETINOBLASTOMA, SOMATIC. Identifiers: Orphanet 790, MedGen C0035335, MeSH D012175, MONDO:0008380, OMIM 180200, HP:0009919. Disease mechanism: loss of function. Inheritance: Both sporadic and heritable forms are tested..

Allele frequency attached by ClinVar (database versions not stated): gnomAD 0.00001; 1000 Genomes Project 30x 0.00016; gnomAD exomes below 0.00001; 1000 Genomes Project 0.00020; ExAC 0.00001.
gnomAD v4.1: 2 of 1,613,340 alleles (0.00012%); highest among the groups gnomAD compares: African/African-American, 0.0027%; no homozygotes.

Submissions (2):

Labcorp Genetics (formerly Invitae), Labcorp
Classification: Uncertain significance for Retinoblastoma. Last evaluated: 2025-09-01. Review status: criteria provided, single submitter. Criteria: Invitae Variant Classification Sherloc (09022015). Collection method: clinical testing. Allele origin: germline.
Comment: This sequence change replaces proline, which is neutral and non-polar, with serine, which is neutral and polar, at codon 357 of the RB1 protein (p.Pro357Ser). This variant is present in population databases (rs568421803, gnomAD 0.007%). This variant has not been reported in the literature in individuals affected with RB1-related conditions. ClinVar contains an entry for this variant (Variation ID: 1368135). Invitae Evidence Modeling of protein sequence and biophysical properties (such as structural, functional, and spatial information, amino acid conservation, physicochemical variation, residue mobility, and thermodynamic stability) indicates that this missense variant is expected to disrupt RB1 protein function with a positive predictive value of 80%. In summary, the available evidence is currently insufficient to determine the role of this variant in disease. Therefore, it has been classified as a Variant of Uncertain Significance.

GeneDx
Classification: Uncertain significance. Last evaluated: 2023-12-05. Review status: criteria provided, single submitter. Criteria: GeneDx Variant Classification Process June 2021. Collection method: clinical testing. Allele origin: germline. Affected: yes.
Comment: Not observed at significant frequency in large population cohorts (gnomAD); In silico analysis supports that this missense variant has a deleterious effect on protein structure/function; Has not been previously published as pathogenic or benign to our knowledge

NM_000321.3(RB1):c.1069C>T (p.Pro357Ser)

Gene: RB1 (RB transcriptional corepressor 1; plus strand). Cytogenetic location: 13q14.2.
Variant type: single nucleotide variant.
Coding change: c.1069C>T on transcript NM_000321.3 (MANE Select); coding-DNA position 1069, C replaced by T.
Protein change: p.Pro357Ser; replaces proline 357 with serine.
Molecular consequence: missense variant.
Genome position (GRCh38, 1-based): chr13:48,368,546, C>T. VCF-style: chr13-48368546-C-T. GRCh37 (hg19) VCF-style: chr13-48942682-C-T.
Other names: c.1069C>T (NM_000321.2); short protein forms P357S.
Identifiers: ClinVar variation 1368135 (VCV001368135.9), dbSNP rs568421803, ClinGen allele CA027528.